The following is an entry in ClinVar:

NM_152564.5(VPS13B):c.3369dup (p.Ile1124fs)

Gene: VPS13B (vacuolar protein sorting 13 homolog B; plus strand). Cytogenetic location: 8q22.2.
Variant type: Duplication.
Coding change: c.3369dup on transcript NM_152564.5 (MANE Select); coding-DNA position 3369, one base duplicated (T; older notation c.3369dupT).
Protein change: p.Ile1124fs; shifts the reading frame from isoleucine 1124.
Molecular consequence: frameshift variant.
Genome position (GRCh38, 1-based): chr8:99,442,559, T duplicated; the last of 2 consecutive T bases (chr8:99,442,558-99,442,559); duplicating either gives the same sequence. VCF-style (leftmost placement, unchanged base first): chr8-99442557-A-AT. GRCh37 (hg19) VCF-style: chr8-100454785-A-AT.
Other names: c.3369dup, p.Ile1124fs (NM_017890.5); short protein forms I1124fs.
Identifiers: ClinVar variation 3607795 (VCV003607795.2).

ClinVar aggregate classification (germline): Pathogenic (1 of 4 stars; one submission).

Conditions:
Cohen syndrome (COH1). Also called: Cutis verticis gyrata, retinitis pigmentosa, and sensorineural deafness; PEPPER SYNDROME. Identifiers: Orphanet 193, MedGen C0265223, MONDO:0008999, OMIM 216550.

Submission:

Labcorp Genetics (formerly Invitae), Labcorp
Classification: Pathogenic for Cohen syndrome. Last evaluated: 2024-05-06. Review status: criteria provided, single submitter. Criteria: Invitae Variant Classification Sherloc (09022015). Collection method: clinical testing. Allele origin: germline.
Comment: This sequence change creates a premature translational stop signal (p.Ile1124Tyrfs*2) in the VPS13B gene. It is expected to result in an absent or disrupted protein product. Loss-of-function variants in VPS13B are known to be pathogenic (PMID: 15141358, 16648375, 20461111). This variant is not present in population databases (gnomAD no frequency). This variant has not been reported in the literature in individuals affected with VPS13B-related conditions. For these reasons, this variant has been classified as Pathogenic.

Literature cited by the submitters: PubMed 15141358; PubMed 16648375; PubMed 20461111.